The following is an entry in ClinVar:

ClinVar aggregate classification (germline): Uncertain significance (1 of 4 stars; one submission).

Allele frequency attached by ClinVar (database versions not stated): gnomAD 0.00001; gnomAD exomes 0.00001 and 0.00002; TOPMed 0.00001.
gnomAD v4.1: 33 of 1,613,956 alleles (0.002%); highest among the groups gnomAD compares: African/African-American, 0.0027%; no homozygotes.

Submission:

Labcorp Genetics (formerly Invitae), Labcorp
Classification: Uncertain significance. Last evaluated: 2022-07-06. Review status: criteria provided, single submitter. Criteria: Invitae Variant Classification Sherloc (09022015). Collection method: clinical testing. Allele origin: germline.
Comment: This sequence change replaces serine, which is neutral and polar, with leucine, which is neutral and non-polar, at codon 862 of the SEC24D protein (p.Ser862Leu). This variant is present in population databases (no rsID available, gnomAD 0.002%). This variant has not been reported in the literature in individuals affected with SEC24D-related conditions. ClinVar contains an entry for this variant (Variation ID: 1470549). Algorithms developed to predict the effect of missense changes on protein structure and function are either unavailable or do not agree on the potential impact of this missense change (SIFT: "Not Available"; PolyPhen-2: "Benign"; Align-GVGD: "Not Available"). In summary, the available evidence is currently insufficient to determine the role of this variant in disease. Therefore, it has been classified as a Variant of Uncertain Significance.

NM_014822.4(SEC24D):c.2585C>T (p.Ser862Leu)

Gene: SEC24D (SEC24 homolog D, COPII coat complex component; minus strand). Cytogenetic location: 4q26.
Variant type: single nucleotide variant.
Coding change: c.2585C>T on transcript NM_014822.4 (MANE Select); coding-DNA position 2585, C replaced by T.
Protein change: p.Ser862Leu; replaces serine 862 with leucine.
Molecular consequence: missense variant.
Genome position (GRCh38, 1-based): chr4:118,732,824, G>A on the plus strand (C>T on the coding strand, the complement: SEC24D is on the minus strand). VCF-style: chr4-118732824-G-A. GRCh37 (hg19) VCF-style: chr4-119653979-G-A.
Other names: c.2588C>T, p.Ser863Leu (NM_001318066.2); short protein forms S862L, S863L.
Identifiers: ClinVar variation 1470549 (VCV001470549.7), dbSNP rs1272242956, ClinGen allele CA358005041.
Genomic context (GRCh38, chr4:118,732,824, plus strand): 5'-TGAGAGTCAGCCACACCCATGGTCATGACCAGCTGTCTCTGGTATGCTCGTTCATCAGTT[G>A]AGATCTCTGGTCTGCTGAGTAGTACACAGTTTTTCAACAAGCAATTCATGTACACTGGCA-3'
Protein context (NP_055637.2, residues 852-872): NCVLLSRPEI[Ser862Leu]TDERAYQRQL